The following is an entry in ClinVar:

ClinVar aggregate classification (germline): Pathogenic. Review status: reviewed by expert panel (3 of 4 stars). 6 submissions from 6 submitters: Pathogenic (1). 5 of the submissions do not count toward it. Last evaluated 2018-08-31.

Conditions:
CFTR-related disorder (CFTR-RD). Also called: CFTR-related disorders; CFTR-related condition. Identifiers: MedGen C5924204, MONDO:7770004.
Cystic fibrosis (CF). Also called: MUCOVISCIDOSIS. Identifiers: Orphanet 586, MedGen C0010674, MONDO:0009061, OMIM 219700. Disease mechanism: loss of function.

gnomAD v4.1: 1 of 1,610,782 alleles (0.000062%); highest among the groups gnomAD compares: Non-Finnish European, 0.000085%; no homozygotes.

Submissions (6):

CFTR2
Classification: Pathogenic for Cystic fibrosis. Last evaluated: 2018-08-31. Review status: reviewed by expert panel. Criteria: Sosnay PR et al. (Nat Genet 2013). Collection method: research. Allele origin: germline. Affected: yes.

Natera, Inc.
Classification: Pathogenic for CFTR-related disorders. Last evaluated: 2024-06-03. Review status: criteria provided, single submitter. Criteria: Natera Variant Classification Schema (03/2026). Collection method: clinical testing. Allele origin: germline. Not counted in ClinVar's aggregate classification.
Comment: The c.79G>A variant in CFTR is a missense variant predicted to cause substitution of glycine to arginine at amino acid 27. This variant is rare in the general population with a frequency below the threshold expected for the associated phenotype(s). This variant has been observed in one or more individuals affected with the associated recessive disease, as either homozygous or compound heterozygous with a second variant (PMID: 30888834, 16423550). Given the available evidence, this variant is classified as Pathogenic.

Institute of Human Genetics, University of Leipzig Medical Center
Classification: Pathogenic for Cystic fibrosis. Last evaluated: 2022-09-05. Review status: criteria provided, single submitter. Criteria: ACMG Guidelines, 2015. Collection method: curation. Allele origin: unknown. Affected: yes. Observed: 1 variant allele. Not counted in ClinVar's aggregate classification.
Comment: The variant was classified in the context of a project re-classifying variants in the German Cystic Fibrosis Registry (Muko.e.V.). Criteria applied: PS1, PM2_SUP, PM3, PM5_STR, PP3, PP4

Labcorp Genetics (formerly Invitae), Labcorp
Classification: Pathogenic for Cystic fibrosis. Last evaluated: 2022-01-27. Review status: criteria provided, single submitter. Criteria: Invitae Variant Classification Sherloc (09022015). Collection method: clinical testing. Allele origin: germline. Not counted in ClinVar's aggregate classification.
Comment: This variant is not present in population databases (gnomAD no frequency). This sequence change replaces glycine, which is neutral and non-polar, with arginine, which is basic and polar, at codon 27 of the CFTR protein (p.Gly27Arg). This missense change has been observed in individual(s) with cystic fibrosis (PMID: 16423550, 23276700). For these reasons, this variant has been classified as Pathogenic. This variant disrupts the p.Gly27 amino acid residue in CFTR. Other variant(s) that disrupt this residue have been observed in individuals with CFTR-related conditions (PMID: 7516232, 24586523), which suggests that this may be a clinically significant amino acid residue. Experimental studies have shown that this missense change affects CFTR function (PMID: 30046002). Algorithms developed to predict the effect of missense changes on protein structure and function are either unavailable or do not agree on the potential impact of this missense change (SIFT: "Deleterious"; PolyPhen-2: "Probably Damaging"; Align-GVGD: "Class C0"). ClinVar contains an entry for this variant (Variation ID: 54059).

Ambry Genetics
Classification: Likely pathogenic for Cystic fibrosis. Last evaluated: 2015-09-18. Review status: criteria provided, single submitter. Criteria: Ambry Variant Classification Scheme 2023. Collection method: clinical testing. Allele origin: germline. Not counted in ClinVar's aggregate classification.
Comment: The p.G27R variant (also known as c.79G>A), located in coding exon 2 of the CFTR gene, results from a G to A substitution at nucleotide position 79. The glycine at codon 27 is replaced by arginine, an amino acid with dissimilar properties. This variant was reported in one individual who had pancreatic insufficiency and severe pulmonary disease (Ramirez et al. Mol Genet Metab. 2006;87(4):370-5). This variant was not reported in population based cohorts in the following databases: Database of Single Nucleotide Polymorphisms (dbSNP), NHLBI Exome Sequencing Project (ESP), and 1000 Genomes Project. In the ESP, this variant was not observed in 6503 samples (13006 alleles) with coverage at this position. This variant has been detected in conjunction with pathogenic mutations in CFTR in several individuals by our laboratory, however the phase (cis/trans) is unknown. This amino acid position is highly conserved in available vertebrate species. In addition, this alteration is predicted to be deleterious by in silico analysis. Based on the majority of available evidence to date, this variant is likely to be pathogenic.

ClinVar Staff, National Center for Biotechnology Information (NCBI)
No classification provided. Condition: CFTR-related disorders. Review status: no classification provided. Collection method: literature only. Allele origin: germline. Affected: yes. Not counted in ClinVar's aggregate classification.

Literature cited by the submitters: PubMed 30888834 (cited by Natera, Inc.); PubMed 16423550 (cited by 3 submitters); PubMed 23276700 (cited by Labcorp Genetics (formerly Invitae), Labcorp); PubMed 7516232 (cited by Labcorp Genetics (formerly Invitae), Labcorp); PubMed 24586523 (cited by Labcorp Genetics (formerly Invitae), Labcorp); PubMed 30046002 (cited by Labcorp Genetics (formerly Invitae), Labcorp).

NM_000492.4(CFTR):c.79G>A (p.Gly27Arg)

Gene: CFTR (CF transmembrane conductance regulator; plus strand). Cytogenetic location: 7q31.2.
Variant type: single nucleotide variant.
Coding change: c.79G>A on transcript NM_000492.4 (MANE Select); coding-DNA position 79, G replaced by A.
Protein change: p.Gly27Arg; replaces glycine 27 with arginine.
Molecular consequence: missense variant.
Genome position (GRCh38, 1-based): chr7:117,504,278, G>A. VCF-style: chr7-117504278-G-A. GRCh37 (hg19) VCF-style: chr7-117144332-G-A.
Other names: short protein forms G27R.
Identifiers: ClinVar variation 54059 (VCV000054059.10), dbSNP rs397508796, ClinGen allele CA327653.